The following is an entry in ClinVar:

ClinVar aggregate classification (germline): Pathogenic/Likely pathogenic. Review status: criteria provided, multiple submitters, no conflicts (2 of 4 stars). 2 submissions from 2 submitters: Pathogenic (1); Likely pathogenic (1). Last evaluated 2022-07-26.

Submissions (2):

Mayo Clinic Laboratories, Mayo Clinic
Classification: Likely pathogenic. Last evaluated: 2022-07-26. Review status: criteria provided, single submitter. Criteria: ACMG Guidelines, 2015. Collection method: clinical testing. Allele origin: germline. Observed: 1 variant allele.
Comment: PM2, PVS1

Eurofins Ntd Llc (ga)
Classification: Pathogenic. Last evaluated: 2018-09-04. Review status: criteria provided, single submitter. Criteria: EGL ClinVar v180209 classification definitions. Collection method: clinical testing. Allele origin: germline. Observed: 1 variant allele, 1 heterozygote.

NM_000214.3(JAG1):c.2682+1G>T

Gene: JAG1 (jagged canonical Notch ligand 1; minus strand). Cytogenetic location: 20p12.2.
Variant type: single nucleotide variant.
Coding change: c.2682+1G>T on transcript NM_000214.3 (MANE Select); the canonical splice donor site of the intron after coding-DNA position 2682, G replaced by T.
Molecular consequence: splice donor variant.
Genome position (GRCh38, 1-based): chr20:10,641,782, C>A on the plus strand (G>T on the coding strand, the complement: JAG1 is on the minus strand). VCF-style: chr20-10641782-C-A. GRCh37 (hg19) VCF-style: chr20-10622430-C-A.
Identifiers: ClinVar variation 598632 (VCV000598632.6), dbSNP rs1568792238, ClinGen allele CA408245207.